The following is an entry in ClinVar:

NM_001164665.2(KIAA1549):c.3847+16G>A

Gene: KIAA1549 (KIAA1549; minus strand). Cytogenetic location: 7q34.
Variant type: single nucleotide variant.
Coding change: c.3847+16G>A on transcript NM_001164665.2 (MANE Select); 16 bases into the intron after coding-DNA position 3847, G replaced by A.
Molecular consequence: intron variant.
Genome position (GRCh38, 1-based): chr7:138,898,939, C>T on the plus strand (G>A on the coding strand, the complement: KIAA1549 is on the minus strand). VCF-style: chr7-138898939-C-T. GRCh37 (hg19) VCF-style: chr7-138583685-C-T.
Other names: c.3847+16G>A (NM_020910.3).
Identifiers: ClinVar variation 2111575 (VCV002111575.4), dbSNP rs1811764812, ClinGen allele CA1107818411.

ClinVar aggregate classification (germline): Uncertain significance (1 of 4 stars; one submission).

Allele frequency attached by ClinVar (database versions not stated): gnomAD 0.00001.
gnomAD v4.1: 2 of 1,613,194 alleles (0.00012%); highest among the groups gnomAD compares: African/African-American, 0.0013%; no homozygotes.

Submission:

Labcorp Genetics (formerly Invitae), Labcorp
Classification: Uncertain significance. Last evaluated: 2024-01-24. Review status: criteria provided, single submitter. Criteria: Invitae Variant Classification Sherloc (09022015). Collection method: clinical testing. Allele origin: germline.
Comment: This sequence change falls in intron 9 of the KIAA1549 gene. It does not directly change the encoded amino acid sequence of the KIAA1549 protein. This variant is not present in population databases (gnomAD no frequency). This variant has not been reported in the literature in individuals affected with KIAA1549-related conditions. ClinVar contains an entry for this variant (Variation ID: 2111575). Algorithms developed to predict the effect of sequence changes on RNA splicing suggest that this variant may create or strengthen a splice site. In summary, the available evidence is currently insufficient to determine the role of this variant in disease. Therefore, it has been classified as a Variant of Uncertain Significance.